The following is an entry in ClinVar:

NM_001876.4(CPT1A):c.360dup (p.Thr121fs)

Gene: CPT1A (carnitine palmitoyltransferase 1A; minus strand). Cytogenetic location: 11q13.3.
Variant type: Duplication.
Coding change: c.360dup on transcript NM_001876.4 (MANE Select); coding-DNA position 360, one base duplicated (C; older notation c.360dupC).
Protein change: p.Thr121fs; shifts the reading frame from threonine 121.
Molecular consequence: frameshift variant.
Genome position (GRCh38, 1-based): chr11:68,807,560, G duplicated on the plus strand (C on the coding strand, the reverse complement: CPT1A is on the minus strand). VCF-style (leftmost placement, unchanged base first): chr11-68807559-T-TG. GRCh37 (hg19) VCF-style: chr11-68575027-T-TG.
Other names: c.360dup, p.Thr121fs (NM_001031847.3, NM_001440358.1, NM_001440359.1 and 6 more transcripts); short protein forms T121fs.
Identifiers: ClinVar variation 4814977 (VCV004814977.1).
Genomic context (GRCh38, chr11:68,807,559, plus strand): 5'-CGTGCTCAGTGAACATCCACCCGTGGTAGGAGAGCAGCACTTTCAGGGAGTAGCGCATGG[T>TG]GACGATGAGGGCCACCCACAGGCCGGTGCCAAACAGCACGCCGCTGACCACGTTCTTCGT-3'

ClinVar aggregate classification (germline): Likely pathogenic (1 of 4 stars; one submission).

Conditions:
Carnitine palmitoyl transferase 1A deficiency. Also called: CPT I DEFICIENCY; CPT DEFICIENCY, HEPATIC, TYPE I; Carnitine palmitoyltransferase type I deficiency; CPT deficiency, hepatic, type IA; Carnitine palmitoyltransferase 1A deficiency. Identifiers: Orphanet 156, MedGen C1829703, MONDO:0009705, OMIM 255120.

Submission:

Natera, Inc.
Classification: Likely pathogenic for Carnitine palmitoyltransferase type I deficiency. Last evaluated: 2024-05-20. Review status: criteria provided, single submitter. Criteria: Natera Variant Classification Schema (03/2026). Collection method: clinical testing. Allele origin: germline.
Comment: The c.360dup variant in CPT1A is a frameshift variant predicted to shift the reading frame beginning at codon 121 and leads to a stop codon 19 codons downstream. This variant is expected to result in nonsense mediated decay, truncation, or a dysfunctional protein product. This variant is rare in the general population with a frequency below the threshold expected for the associated phenotype(s). Given the available evidence, this variant is classified as Likely Pathogenic.